The following is an entry in ClinVar:

NM_006000.3(TUBA4A):c.1065C>A (p.Ile355=)

Gene: TUBA4A (tubulin alpha 4a; minus strand). Cytogenetic location: 2q35.
Variant type: single nucleotide variant.
Coding change: c.1065C>A on transcript NM_006000.3 (MANE Select); coding-DNA position 1065, C replaced by A.
Protein change: p.Ile355=; no amino-acid change (isoleucine 355 retained).
Molecular consequence: synonymous variant.
Genome position (GRCh38, 1-based): chr2:219,250,634, G>T on the plus strand (C>A on the coding strand, the complement: TUBA4A is on the minus strand). VCF-style: chr2-219250634-G-T. GRCh37 (hg19) VCF-style: chr2-220115356-G-T.
Other names: c.1020C>A, p.Ile340= (NM_001278552.2).
Identifiers: ClinVar variation 4872102 (VCV004872102.2).
Genomic context (GRCh38, chr2:219,250,634, plus strand): 5'-CACGGCACGCTGCACCTTGGCCAGGTCACCCCCAGGCACCACAGTGGGAGGCTGGTAGTT[G>T]ATACCAACCTTGAAGCCTGTGGGGCACCAGTCCACAAACTGAATGCTGCGCTTGGTCTTG-3'
Protein context (NP_005991.1, residues 345-365): DWCPTGFKVG[Ile355=]NYQPPTVVPG

ClinVar aggregate classification (germline): Uncertain significance (1 of 4 stars; one submission).

gnomAD v4.1: 33 of 1,614,152 alleles (0.002%); highest among the groups gnomAD compares: Non-Finnish European, 0.0025%; no homozygotes.

Submission:

CeGaT Center for Human Genetics Tuebingen
Classification: Uncertain significance. Last evaluated: 2026-04-01. Review status: criteria provided, single submitter. Criteria: CeGaT Center For Human Genetics Tuebingen Variant Classification Criteria Version 2. Collection method: clinical testing. Allele origin: germline. Affected: yes. Observed: 1 variant allele.
Comment: TUBA4A: PM2:Supporting, BP4